The following is an entry in ClinVar:

NM_206933.4(USH2A):c.12884T>A (p.Ile4295Asn)

Gene: USH2A (usherin; minus strand). Cytogenetic location: 1q41.
Variant type: single nucleotide variant.
Coding change: c.12884T>A on transcript NM_206933.4 (MANE Select); coding-DNA position 12884, T replaced by A.
Protein change: p.Ile4295Asn; replaces isoleucine 4295 with asparagine.
Molecular consequence: missense variant.
Genome position (GRCh38, 1-based): chr1:215,675,027, A>T on the plus strand (T>A on the coding strand, the complement: USH2A is on the minus strand). VCF-style: chr1-215675027-A-T. GRCh37 (hg19) VCF-style: chr1-215848369-A-T.
Other names: short protein forms I4295N.
Identifiers: ClinVar variation 2116009 (VCV002116009.4), dbSNP rs2464898053, ClinGen allele CA344848484.

ClinVar aggregate classification (germline): Uncertain significance (1 of 4 stars; one submission).

Submission:

Labcorp Genetics (formerly Invitae), Labcorp
Classification: Uncertain significance. Last evaluated: 2022-04-28. Review status: criteria provided, single submitter. Criteria: Invitae Variant Classification Sherloc (09022015). Collection method: clinical testing. Allele origin: germline.
Comment: This variant has not been reported in the literature in individuals affected with USH2A-related conditions. Algorithms developed to predict the effect of missense changes on protein structure and function (SIFT, PolyPhen-2, Align-GVGD) all suggest that this variant is likely to be disruptive. In summary, the available evidence is currently insufficient to determine the role of this variant in disease. Therefore, it has been classified as a Variant of Uncertain Significance. This sequence change replaces isoleucine, which is neutral and non-polar, with asparagine, which is neutral and polar, at codon 4295 of the USH2A protein (p.Ile4295Asn). This variant is not present in population databases (gnomAD no frequency).